The following is an entry in ClinVar:

ClinVar aggregate classification (germline): Likely benign. Review status: criteria provided, single submitter (1 of 4 stars). 2 submissions from 2 submitters: Likely benign (1). 1 of the submissions does not count toward it. Last evaluated 2025-02-05.

Conditions:
EPHA2-related disorder. Also called: EPHA2-related condition.
Cataract 6 multiple types. Also called: CATARACT, AGE-RELATED CORTICAL, 2; CATARACT 6, POSTERIOR POLAR; CATARACT 6, CONGENITAL TOTAL. Identifiers: Orphanet 91492, MedGen C1861825, MONDO:0007288, OMIM 116600.

gnomAD v4.1: 121 of 1,612,136 alleles (0.0075%); highest among the groups gnomAD compares: African/African-American, 0.12%; no homozygotes.

Submissions (2):

Labcorp Genetics (formerly Invitae), Labcorp
Classification: Likely benign for Cataract 6 multiple types. Last evaluated: 2025-02-05. Review status: criteria provided, single submitter. Criteria: Invitae Variant Classification Sherloc (09022015). Collection method: clinical testing. Allele origin: germline.

PreventionGenetics, part of Exact Sciences
Classification: Likely benign for EPHA2-related condition. Last evaluated: 2024-09-11. Review status: no assertion criteria provided. Collection method: clinical testing. Allele origin: germline. Not counted in ClinVar's aggregate classification.
Comment: This variant is classified as likely benign based on ACMG/AMP sequence variant interpretation guidelines (Richards et al. 2015 PMID: 25741868, with internal and published modifications).

NM_004431.5(EPHA2):c.1089C>T (p.Ser363=)

Gene: EPHA2 (EPH receptor A2; minus strand). Cytogenetic location: 1p36.13.
Variant type: single nucleotide variant.
Coding change: c.1089C>T on transcript NM_004431.5 (MANE Select); coding-DNA position 1089, C replaced by T.
Protein change: p.Ser363=; no amino-acid change (serine 363 retained).
Molecular consequence: synonymous variant.
Genome position (GRCh38, 1-based): chr1:16,138,076, G>A on the plus strand (C>T on the coding strand, the complement: EPHA2 is on the minus strand). VCF-style: chr1-16138076-G-A. GRCh37 (hg19) VCF-style: chr1-16464571-G-A.
Other names: c.927C>T, p.Ser309= (NM_001329090.2).
Identifiers: ClinVar variation 3350496 (VCV003350496.2).